The following is an entry in ClinVar:

NM_000179.3(MSH6):c.556G>T (p.Asp186Tyr)

Gene: MSH6 (mutS homolog 6; plus strand). Cytogenetic location: 2p16.3.
Variant type: single nucleotide variant.
Coding change: c.556G>T on transcript NM_000179.3 (MANE Select); coding-DNA position 556, G replaced by T.
Protein change: p.Asp186Tyr; replaces aspartic acid 186 with tyrosine.
Molecular consequence: missense variant. On other transcripts: 5 prime UTR variant (1), intron variant (2).
Genome position (GRCh38, 1-based): chr2:47,795,992, G>T. VCF-style: chr2-47795992-G-T. GRCh37 (hg19) VCF-style: chr2-48023131-G-T.
Other names: c.-347G>T (NM_001281494.2); c.-279-2619G>T (NM_001281493.2); c.238-2619G>T (NM_001281492.2); short protein forms D186Y.
Identifiers: ClinVar variation 619531 (VCV000619531.3), dbSNP rs1212607928, ClinGen allele CA346738758.

ClinVar aggregate classification (germline): Uncertain significance (1 of 4 stars; one submission).

Conditions:
Lynch syndrome. Identifiers: Orphanet 144, MedGen C4552100, MONDO:0005835. Disease mechanism: loss of function.

Allele frequency attached by ClinVar (database versions not stated): gnomAD exomes below 0.00001.

Submission:

University of Washington Department of Laboratory Medicine, University of Washington
Classification: Uncertain significance for Lynch syndrome. Last evaluated: 2018-05-01. Review status: criteria provided, single submitter. Criteria: Shirts BH et al. (Am J Hum Genet 2018). Collection method: clinical testing. Allele origin: somatic. Affected: yes.
Comment: MSH6 NM_000179.2:c.556G>T has a 59.6% probability of pathogenicity based on combining prior probability from public data with a likelihood ratio of 0.16 to 1, generated from evidence of seeing this as a somatic mutation in a tumor with loss of heterozygosity at the MSH6 locus. See Shirts et al 2018, PMID 29887214.